The following is an entry in ClinVar:

NM_000069.3(CACNA1S):c.188C>T (p.Ala63Val)

Gene: CACNA1S (calcium voltage-gated channel subunit alpha1 S; minus strand). Cytogenetic location: 1q32.1.
Variant type: single nucleotide variant.
Coding change: c.188C>T on transcript NM_000069.3 (MANE Select); coding-DNA position 188, C replaced by T.
Protein change: p.Ala63Val; replaces alanine 63 with valine.
Molecular consequence: missense variant.
Genome position (GRCh38, 1-based): chr1:201,110,234, G>A on the plus strand (C>T on the coding strand, the complement: CACNA1S is on the minus strand). VCF-style: chr1-201110234-G-A. GRCh37 (hg19) VCF-style: chr1-201079362-G-A.
Other names: short protein forms A63V.
Identifiers: ClinVar variation 4758615 (VCV004758615.2).

ClinVar aggregate classification (germline): Uncertain significance. Review status: criteria provided, multiple submitters, no conflicts (2 of 4 stars). 2 submissions from 2 submitters: Uncertain significance (2). Last evaluated 2025-11-01.

Conditions:
Malignant hyperthermia, susceptibility to, 5 (MHS5). Also called: CACNA1S-Related Malignant Hyperthermia Susceptibility. Identifiers: Orphanet 423, MedGen C1866077, MONDO:0011163, OMIM 601887.
Hypokalemic periodic paralysis, type 1. Also called: Hypokalemic Periodic Paralysis Type 1 (AD); HypoPP. Identifiers: Orphanet 681, MedGen C3714580, MONDO:0042979, OMIM 170400.

Submissions (2):

Labcorp Genetics (formerly Invitae), Labcorp
Classification: Uncertain significance for Hypokalemic periodic paralysis, type 1; Malignant hyperthermia, susceptibility to, 5. Last evaluated: 2025-11-01. Review status: criteria provided, single submitter. Criteria: Invitae Variant Classification Sherloc (09022015). Collection method: clinical testing. Allele origin: germline.
Comment: This sequence change replaces alanine, which is neutral and non-polar, with valine, which is neutral and non-polar, at codon 63 of the CACNA1S protein (p.Ala63Val). This variant is not present in population databases (gnomAD no frequency). This variant has not been reported in the literature in individuals affected with CACNA1S-related conditions. Invitae Evidence Modeling of protein sequence and biophysical properties (such as structural, functional, and spatial information, amino acid conservation, physicochemical variation, residue mobility, and thermodynamic stability) indicates that this missense variant is not expected to disrupt CACNA1S protein function with a negative predictive value of 95%. In summary, the available evidence is currently insufficient to determine the role of this variant in disease. Therefore, it has been classified as a Variant of Uncertain Significance.

Color Diagnostics, LLC DBA Color Health
Classification: Uncertain significance for Malignant hyperthermia, susceptibility to, 5. Last evaluated: 2025-07-20. Review status: criteria provided, single submitter. Criteria: ACMG Guidelines, 2015. Collection method: clinical testing. Allele origin: germline.
Comment: This missense variant replaces alanine with valine at codon 63 of the CACNA1S protein. Computational prediction suggests that this variant may not impact protein structure and function. To our knowledge, functional studies have not been reported for this variant. This variant has not been reported in individuals affected with CACNA1S-related disorders in the literature. This variant has not been identified in the general population by the Genome Aggregation Database (gnomAD). The available evidence is insufficient to determine the role of this variant in disease conclusively. Therefore, this variant is classified as a Variant of Uncertain Significance.